The following is an entry in ClinVar:

ClinVar aggregate classification (germline): Uncertain significance. Review status: criteria provided, multiple submitters, no conflicts (2 of 4 stars). 2 submissions from 2 submitters: Uncertain significance (2). Last evaluated 2024-06-07.

Conditions:
Retinitis pigmentosa (RP). Identifiers: Orphanet 791, MedGen C0035334, MeSH D012174, MONDO:0019200, OMIM 268000. Inheritance: Autosomal dominant, autosomal recessive and X linked inheritance.

Allele frequency attached by ClinVar (database versions not stated): TOPMed below 0.00001; ExAC 0.00001; gnomAD 0.00001; ESP Exome Variant Server 0.00008.
gnomAD v4.1: 1 of 1,614,072 alleles (0.000062%); highest among the groups gnomAD compares: African/African-American, 0.0013%; no homozygotes.

Submissions (2):

GeneDx
Classification: Uncertain significance. Last evaluated: 2024-06-07. Review status: criteria provided, single submitter. Criteria: GeneDx Variant Classification Process June 2021. Collection method: clinical testing. Allele origin: germline. Affected: yes.
Comment: Not observed at significant frequency in large population cohorts (gnomAD); In silico analysis indicates that this missense variant does not alter protein structure/function; Has not been previously published as pathogenic or benign to our knowledge

Illumina Laboratory Services, Illumina
Classification: Uncertain significance for Retinitis pigmentosa. Last evaluated: 2017-04-27. Review status: criteria provided, single submitter. Criteria: ICSL Variant Classification Criteria 13 December 2019. Collection method: clinical testing. Allele origin: germline.

NM_006445.4(PRPF8):c.6584C>G (p.Thr2195Ser)

Gene: PRPF8 (pre-mRNA processing factor 8; minus strand). Cytogenetic location: 17p13.3.
Variant type: single nucleotide variant.
Coding change: c.6584C>G on transcript NM_006445.4 (MANE Select); coding-DNA position 6584, C replaced by G.
Protein change: p.Thr2195Ser; replaces threonine 2195 with serine.
Molecular consequence: missense variant.
Genome position (GRCh38, 1-based): chr17:1,651,480, G>C on the plus strand (C>G on the coding strand, the complement: PRPF8 is on the minus strand). VCF-style: chr17-1651480-G-C. GRCh37 (hg19) VCF-style: chr17-1554774-G-C.
Other names: short protein forms T2195S.
Identifiers: ClinVar variation 889693 (VCV000889693.5), dbSNP rs377037603, ClinGen allele CA8271150.